The following is an entry in ClinVar:

NM_004281.4(BAG3):c.1034_1038del (p.Glu345fs)

Gene: BAG3 (BAG cochaperone 3; plus strand). Cytogenetic location: 10q26.11.
Variant type: Deletion.
Coding change: c.1034_1038del on transcript NM_004281.4 (MANE Select); coding-DNA positions 1034 to 1038, 5 bases deleted (AGGTG; older notation c.1034_1038delAGGTG).
Protein change: p.Glu345fs; shifts the reading frame from glutamic acid 345.
Molecular consequence: frameshift variant.
Genome position (GRCh38, 1-based): chr10:119,676,588-119,676,592, AGGTG deleted; deleting any 5 consecutive bases within chr10:119,676,587-119,676,592 gives the same sequence; the c. name uses the placement nearest the transcript's 3' end. VCF-style (leftmost placement, unchanged base first): chr10-119676586-AGAGGT-A. GRCh37 (hg19) VCF-style: chr10-121436098-AGAGGT-A.
Other names: c.1034_1038delAGGTG (NM_004281.3); short protein forms E345fs.
Identifiers: ClinVar variation 519116 (VCV000519116.5), dbSNP rs1554877731, ClinGen allele CA658797543.

ClinVar aggregate classification (germline): Pathogenic (1 of 4 stars; one submission).

Conditions:
Cardiovascular phenotype. Identifiers: MedGen CN230736.

Submission:

Ambry Genetics
Classification: Pathogenic for Cardiovascular phenotype. Last evaluated: 2016-07-29. Review status: criteria provided, single submitter. Criteria: Ambry Variant Classification Scheme 2023. Collection method: clinical testing. Allele origin: germline.
Comment: The c.1034_1038delAGGTG pathogenic mutation, located in coding exon 4 of the BAG3 gene, results from a deletion of 5 nucleotides at nucleotide positions 1034 to 1038, causing a translational frameshift with a predicted alternate stop codon (p.E345Gfs*3). This alteration has not been previously reported; however, loss of function alterations in BAG3 have been reported in numerous cases of familial dilated cardiomyopathy, including many families with strong segregation with disease (Norton N et al. Am J Hum Genet. 2011;88(3):273-82; Villard E et al. Eur Heart J. 2011;32(9):1065-76; Chami N et al. Can J Cardiol. 2014;30(12):1655-61; Feldman AM et al. J Cell Physiol. 2014;229(11):1697-702; Franaszczyk M et al. J Transl Med. 2014;12:192; van Spaendonck-Zwarts KY et al. Eur Heart J. 2014;35(32):2165-73). In addition, in Norton et al 2011, BAG3 knockdown in a zebrafish model showed heart failure with decreased fractional shortening and pericardial effusion. Therefore, this alteration is expected to result in loss of function by premature protein truncation. As such, this alteration is interpreted as a disease-causing mutation.

Literature cited by the submitters: PubMed 21353195; PubMed 21459883; PubMed 24558114; PubMed 24623017; PubMed 25008357; PubMed 25448463.